The following is an entry in ClinVar:

ClinVar aggregate classification (germline): Uncertain significance (1 of 4 stars; one submission).

Conditions:
Neurodevelopmental disorder. Identifiers: MedGen C1535926, MeSH D065886, MONDO:0700092.

Submission:

Victorian Clinical Genetics Services, Murdoch Childrens Research Institute
Classification: Uncertain significance for Neurodevelopmental disorder. Last evaluated: 2024-10-08. Review status: criteria provided, single submitter. Criteria: ACMG Guidelines, 2015. Collection method: clinical testing. Allele origin: germline. Inheritance: Autosomal dominant inheritance. Affected: yes.
Comment: Based on the classification scheme VCGS_Germline_v1.3.4, this variant is classified as VUS-3B. Following criteria are met: 0105 - The mechanism of disease for this gene is not clearly established. Functional studies on missense variants support a loss of function mechanism; however, dominant negative has not been excluded as a mechanism (PMID: 33110267). (I) 0107 - This gene is associated with autosomal dominant disease. (I) 0201 - Variant is predicted to cause nonsense-mediated decay (NMD) and loss of protein (premature termination codon is located at least 54 nucleotides upstream of the final exon-exon junction). (SP) 0251 - This variant is heterozygous. (I) 0301 - Variant is absent from gnomAD (both v2 and v3). (SP) 0708 - Other NMD-predicted variants comparable to the one identified in this case have conflicting previous evidence for pathogenicity. There are three reports of NMD-predicted variants in ClinVar as variants of unknown significance, one NMD-predicted variant has been reported as likely pathogenic in ClinVar and in an individual with developmental delay, laryngeal hypoplasia and ventricular septal defect (PMID: 27435318). (I) 0807 - This variant has no previous evidence of pathogenicity. (I) 0905 - No published segregation evidence has been identified for this variant. (I) 1007 - No published functional evidence has been identified for this variant. (I) Legend: (SP) - Supporting pathogenic, (I) - Information, (SB) - Supporting benign

Literature cited by the submitters: PubMed 27435318; PubMed 33110267.

NM_001012426.2(FOXP4):c.415dup (p.Leu139fs)

Gene: FOXP4 (forkhead box P4; plus strand). Cytogenetic location: 6p21.1.
Variant type: Duplication.
Coding change: c.415dup on transcript NM_001012426.2 (MANE Select); coding-DNA position 415, one base duplicated (C; older notation c.415dupC).
Protein change: p.Leu139fs; shifts the reading frame from leucine 139.
Molecular consequence: frameshift variant.
Genome position (GRCh38, 1-based): chr6:41,584,883, C duplicated. VCF-style (leftmost placement, unchanged base first): chr6-41584882-G-GC. GRCh37 (hg19) VCF-style: chr6-41552620-G-GC.
Other names: c.415dup, p.Leu139fs (NM_001012427.2, NM_001405824.1, NM_138457.3); c.319dup, p.Leu107fs (NM_001405825.1, NM_001405826.1); short protein forms L107fs, L139fs.
Identifiers: ClinVar variation 3377119 (VCV003377119.1).